The following is an entry in ClinVar:

NM_002471.4(MYH6):c.3876G>A (p.Gln1292=)

Gene: MYH6 (myosin heavy chain 6; minus strand). Cytogenetic location: 14q11.2.
Variant type: single nucleotide variant.
Coding change: c.3876G>A on transcript NM_002471.4 (MANE Select); coding-DNA position 3876, G replaced by A.
Protein change: p.Gln1292=; no amino-acid change (glutamine 1292 retained).
Molecular consequence: synonymous variant.
Genome position (GRCh38, 1-based): chr14:23,389,495, C>T on the plus strand (G>A on the coding strand, the complement: MYH6 is on the minus strand). VCF-style: chr14-23389495-C-T. GRCh37 (hg19) VCF-style: chr14-23858704-C-T.
Identifiers: ClinVar variation 414328 (VCV000414328.15), dbSNP rs145290322, ClinGen allele CA7115028.

ClinVar aggregate classification (germline): Benign/Likely benign. Review status: criteria provided, multiple submitters, no conflicts (2 of 4 stars). 5 submissions from 5 submitters: Benign (1); Likely benign (4). Last evaluated 2026-08-04.

Conditions:
MYH6-related disorder. Also called: MYH6-Related Disorders; MYH6-related condition.
Cardiovascular phenotype. Identifiers: MedGen CN230736.
Hypertrophic cardiomyopathy 14. Identifiers: MedGen C2750467, MONDO:0013197, OMIM 613251.

Allele frequency attached by ClinVar (database versions not stated): gnomAD 0.00001; gnomAD exomes 0.00002 and 0.00004; ExAC 0.00007; TOPMed 0.00007; ESP Exome Variant Server 0.00015.
gnomAD v4.1: 25 of 1,614,044 alleles (0.0015%); highest among the groups gnomAD compares: Admixed American, 0.025%; no homozygotes.

Submissions (5):

PreventionGenetics, part of Exact Sciences
Classification: Likely benign for MYH6-related condition. Last evaluated: 2026-08-04. Review status: criteria provided, single submitter. Criteria: ACMG Guidelines, 2015. Collection method: clinical testing. Allele origin: germline.
Comment: This variant is classified as likely benign based on ACMG/AMP sequence variant interpretation guidelines (Richards et al. 2015 PMID: 25741868, with internal and published modifications).

Labcorp Genetics (formerly Invitae), Labcorp
Classification: Likely benign for Hypertrophic cardiomyopathy 14. Last evaluated: 2026-01-15. Review status: criteria provided, single submitter. Criteria: Invitae Variant Classification Sherloc (09022015). Collection method: clinical testing. Allele origin: germline.

Blueprint Genetics
Classification: Likely benign. Last evaluated: 2024-06-18. Review status: criteria provided, single submitter. Criteria: ACMG Guidelines, 2015. Collection method: clinical testing. Allele origin: germline.

Ambry Genetics
Classification: Likely benign for Cardiovascular phenotype. Last evaluated: 2020-07-09. Review status: criteria provided, single submitter. Criteria: Ambry Variant Classification Scheme 2023. Collection method: clinical testing. Allele origin: germline.

Molecular Diagnostic Laboratory for Inherited Cardiovascular Disease, Montreal Heart Institute
Classification: Benign. Last evaluated: 2019-08-27. Review status: criteria provided, single submitter. Criteria: ACMG Guidelines, 2015. Collection method: clinical testing. Allele origin: germline. Affected: yes.